The following is an entry in ClinVar:

NM_001206744.2(TPO):c.8C>T (p.Ala3Val)

Gene: TPO (thyroid peroxidase; plus strand). Cytogenetic location: 2p25.3.
Variant type: single nucleotide variant.
Coding change: c.8C>T on transcript NM_001206744.2 (MANE Select); coding-DNA position 8, C replaced by T.
Protein change: p.Ala3Val; replaces alanine 3 with valine.
Molecular consequence: missense variant.
Genome position (GRCh38, 1-based): chr2:1,414,416, C>T. VCF-style: chr2-1414416-C-T. GRCh37 (hg19) VCF-style: chr2-1418188-C-T.
Other names: c.8C>T, p.Ala3Val (NM_000547.6, NM_001206745.2, NM_175719.4 and 2 more transcripts); short protein forms A3V.
Identifiers: ClinVar variation 758670 (VCV000758670.8), dbSNP rs151268825, ClinGen allele CA1511258.

ClinVar aggregate classification (germline): Likely benign. Review status: criteria provided, multiple submitters, no conflicts (2 of 4 stars). 3 submissions from 3 submitters: Likely benign (3). Last evaluated 2026-09-01.

Allele frequency attached by ClinVar (database versions not stated): gnomAD exomes 0.00009 and 0.00031; ExAC 0.00050; gnomAD 0.00102; ESP Exome Variant Server 0.00123; TOPMed 0.00123; 1000 Genomes Project 0.00319; 1000 Genomes Project 30x 0.00359.
gnomAD v4.1: 300 of 1,613,498 alleles (0.019%); highest among the groups gnomAD compares: African/African-American, 0.31%; no homozygotes.

Submissions (3):

CeGaT Center for Human Genetics Tuebingen
Classification: Likely benign. Last evaluated: 2026-09-01. Review status: criteria provided, single submitter. Criteria: CeGaT Center For Human Genetics Tuebingen Variant Classification Criteria Version 2. Collection method: clinical testing. Allele origin: germline. Affected: yes. Observed: 1 variant allele.
Comment: TPO: BP4

Labcorp Genetics (formerly Invitae), Labcorp
Classification: Likely benign. Last evaluated: 2025-11-16. Review status: criteria provided, single submitter. Criteria: Invitae Variant Classification Sherloc (09022015). Collection method: clinical testing. Allele origin: germline.

Breakthrough Genomics
Classification: Likely benign. Review status: criteria provided, single submitter. Criteria: ACMG Guidelines, 2015. Collection method: not provided. Allele origin: germline. Inheritance: Autosomal recessive inheritance. Affected: yes.